The following is an entry in ClinVar:

ClinVar aggregate classification (germline): Uncertain significance. Review status: criteria provided, multiple submitters, no conflicts (2 of 4 stars). 3 submissions from 3 submitters: Uncertain significance (3). Last evaluated 2024-11-11.

Conditions:
Inborn genetic diseases. Identifiers: MedGen C0950123, MeSH D030342.
Sialic acid storage disease, severe infantile type (ISSD). Also called: INFANTILE SIALIC ACID STORAGE DISORDER; N-ACETYLNEURAMINIC ACID STORAGE DISEASE; NANA STORAGE DISEASE; Free sialic acid storage disease, infantile form; SIALURIA, INFANTILE FORM; Infantile Sialic Acid Storage Disease. Identifiers: Orphanet 309324, Orphanet 834, MedGen C1096902, MONDO:0010027, OMIM 269920.
Salla disease (SD). Also called: Less Severe FSASD (Salla Disease); Sialuria, Finnish type; N-acetylneuraminic acid (NANA) storage disease (NSD); Infantile sialic acid storage disorder (ISSD). Identifiers: Orphanet 309334, Orphanet 834, MedGen C1096903, MONDO:0011449, OMIM 604369.

Allele frequency attached by ClinVar (database versions not stated): gnomAD exomes 0.00001; gnomAD 0.00002; TOPMed 0.00012.
gnomAD v4.1: 8 of 1,613,936 alleles (0.0005%); highest among the groups gnomAD compares: Admixed American, 0.0083%; no homozygotes.

Submissions (3):

Ambry Genetics
Classification: Uncertain significance for Inborn genetic diseases. Last evaluated: 2024-11-11. Review status: criteria provided, single submitter. Criteria: Ambry Variant Classification Scheme 2023. Collection method: clinical testing. Allele origin: germline.

Fulgent Genetics
Classification: Uncertain significance for Sialic acid storage disease, severe infantile type; Salla disease. Last evaluated: 2024-05-24. Review status: criteria provided, single submitter. Criteria: ACMG Guidelines, 2015. Collection method: clinical testing. Allele origin: germline.

Labcorp Genetics (formerly Invitae), Labcorp
Classification: Uncertain significance for Salla disease. Last evaluated: 2021-10-14. Review status: criteria provided, single submitter. Criteria: Invitae Variant Classification Sherloc (09022015). Collection method: clinical testing. Allele origin: germline.
Comment: This sequence change replaces leucine with phenylalanine at codon 352 of the SLC17A5 protein (p.Leu352Phe). The leucine residue is highly conserved and there is a small physicochemical difference between leucine and phenylalanine. This variant is not present in population databases (ExAC no frequency). This variant has not been reported in the literature in individuals affected with SLC17A5-related conditions. Algorithms developed to predict the effect of missense changes on protein structure and function are either unavailable or do not agree on the potential impact of this missense change (SIFT: "Deleterious"; PolyPhen-2: "Possibly Damaging"; Align-GVGD: "Class C0"). Algorithms developed to predict the effect of sequence changes on RNA splicing suggest that this variant may create or strengthen a splice site. In summary, the available evidence is currently insufficient to determine the role of this variant in disease. Therefore, it has been classified as a Variant of Uncertain Significance.

NM_012434.5(SLC17A5):c.1056A>C (p.Leu352Phe)

Gene: SLC17A5 (solute carrier family 17 member 5; minus strand). Cytogenetic location: 6q13.
Variant type: single nucleotide variant.
Coding change: c.1056A>C on transcript NM_012434.5 (MANE Select); coding-DNA position 1056, A replaced by C.
Protein change: p.Leu352Phe; replaces leucine 352 with phenylalanine.
Molecular consequence: missense variant.
Genome position (GRCh38, 1-based): chr6:73,615,370, T>G on the plus strand (A>C on the coding strand, the complement: SLC17A5 is on the minus strand). VCF-style: chr6-73615370-T-G. GRCh37 (hg19) VCF-style: chr6-74325093-T-G.
Other names: c.1056A>C (NM_012434.4); c.1053A>C, p.Leu351Phe (NM_001382635.1); c.738A>C, p.Leu246Phe (NM_001382636.1); c.825A>C, p.Leu275Phe (NM_001382629.1); c.1056A>C, p.Leu352Phe (NM_001382630.1, NM_001382633.1); c.1077A>C, p.Leu359Phe (NM_001382631.1); c.969A>C, p.Leu323Phe (NM_001382632.1); c.897A>C, p.Leu299Phe (NM_001382634.1); short protein forms L246F, L299F, L323F, L275F, L351F, L352F, L359F.
Identifiers: ClinVar variation 1433317 (VCV001433317.6), dbSNP rs985998169, ClinGen allele CA140958543.
Genomic context (GRCh38, chr6:73,615,370, plus strand): 5'-CTTACCTATAAGGCTAAAAATTCTGCGAACACATAAAGTTGAAAAATTCCATTTTGCCCT[T>G]AAATTGTCAGCAGCTTGACCAGACAGGATCATACATAACCAAGAGCCTAAATAAGGCAAT-3'
Protein context (NP_036566.1, residues 342-362): MILSGQAADN[Leu352Phe]RAKWNFSTLC